The following is an entry in ClinVar:

ClinVar aggregate classification (germline): Uncertain significance (0 of 4 stars; one submission).

Conditions:
AFF4-related disorder. Also called: AFF4-related condition.

gnomAD v4.1: 25 of 1,613,840 alleles (0.0015%); highest among the groups gnomAD compares: South Asian, 0.013%; no homozygotes.

Submission:

PreventionGenetics, part of Exact Sciences
Classification: Uncertain significance for AFF4-related condition. Last evaluated: 2024-06-27. Review status: no assertion criteria provided. Collection method: clinical testing. Allele origin: germline.
Comment: The AFF4 c.2324G>A variant is predicted to result in the amino acid substitution p.Arg775Gln. To our knowledge, this variant has not been reported in the literature. This variant is reported in 0.013% of alleles in individuals of South Asian descent in gnomAD. This variant could be benign. At this time, the clinical significance of this variant is uncertain due to the absence of conclusive functional and genetic evidence.

NM_014423.4(AFF4):c.2324G>A (p.Arg775Gln)

Gene: AFF4 (ALF transcription elongation factor 4; minus strand). Cytogenetic location: 5q31.1.
Variant type: single nucleotide variant.
Coding change: c.2324G>A on transcript NM_014423.4 (MANE Select); coding-DNA position 2324, G replaced by A.
Protein change: p.Arg775Gln; replaces arginine 775 with glutamine.
Molecular consequence: missense variant.
Genome position (GRCh38, 1-based): chr5:132,893,102, C>T on the plus strand (G>A on the coding strand, the complement: AFF4 is on the minus strand). VCF-style: chr5-132893102-C-T. GRCh37 (hg19) VCF-style: chr5-132228794-C-T.
Other names: short protein forms R775Q.
Identifiers: ClinVar variation 3358424 (VCV003358424.1).